The following is an entry in ClinVar:

NM_206926.2(SELENON):c.1180-1G>T

Gene: SELENON (selenoprotein N; plus strand). Cytogenetic location: 1p36.11.
Variant type: single nucleotide variant.
Coding change: c.1180-1G>T on transcript NM_206926.2 (MANE Select); the canonical splice acceptor site of the intron before coding-DNA position 1180, G replaced by T.
Molecular consequence: splice acceptor variant.
Genome position (GRCh38, 1-based): chr1:25,812,686, G>T. VCF-style: chr1-25812686-G-T. GRCh37 (hg19) VCF-style: chr1-26139177-G-T.
Other names: c.1282-1G>T (NM_020451.3).
Identifiers: ClinVar variation 2094929 (VCV002094929.4), dbSNP rs1289523206, ClinGen allele CA339117664.
Genomic context (GRCh38, chr1:25,812,686, plus strand): 5'-AGCCCGAGTGGGACCCTGGCCGCTTTGATGATGGCTTCGCTCTGTCTCGGTGTGGCCCCA[G>T]GTCTCCTACTTGCCGTTCACTGAGGCCTTCGACCGAGCCAAGGCTGAGAACAAGCTGGTG-3'

ClinVar aggregate classification (germline): Pathogenic (1 of 4 stars; one submission).

Conditions:
Eichsfeld type congenital muscular dystrophy (CMYO3). Also called: Rigid spine muscular dystrophy 1; MYOPATHY, SEPN1-RELATED; SELENON-related myopathy; Congenital myopathy 3 with rigid spine. Identifiers: MedGen C0410180, MONDO:0100100, OMIM 602771.

Submission:

Labcorp Genetics (formerly Invitae), Labcorp
Classification: Pathogenic for Eichsfeld type congenital muscular dystrophy. Last evaluated: 2022-03-24. Review status: criteria provided, single submitter. Criteria: Invitae Variant Classification Sherloc (09022015). Collection method: clinical testing. Allele origin: germline.
Comment: This sequence change affects an acceptor splice site in intron 9 of the SELENON gene. It is expected to disrupt RNA splicing. Variants that disrupt the donor or acceptor splice site typically lead to a loss of protein function (PMID: 16199547), and loss-of-function variants in SELENON are known to be pathogenic (PMID: 21131290, 21670436). For these reasons, this variant has been classified as Pathogenic. Algorithms developed to predict the effect of sequence changes on RNA splicing suggest that this variant may disrupt the consensus splice site. Disruption of this splice site has been observed in individuals with congenital myopathy (PMID: 21670436). This variant is not present in population databases (gnomAD no frequency).

Literature cited by the submitters: PubMed 16199547; PubMed 21131290; PubMed 21670436.